The following is an entry in ClinVar:

NM_001127649.3(PEX26):c.490G>A (p.Val164Met)

Gene: PEX26 (peroxisomal biogenesis factor 26; plus strand). Cytogenetic location: 22q11.21.
Variant type: single nucleotide variant.
Coding change: c.490G>A on transcript NM_001127649.3 (MANE Select); coding-DNA position 490, G replaced by A.
Protein change: p.Val164Met; replaces valine 164 with methionine.
Molecular consequence: missense variant.
Genome position (GRCh38, 1-based): chr22:18,083,555, G>A. VCF-style: chr22-18083555-G-A. GRCh37 (hg19) VCF-style: chr22-18566321-G-A.
Other names: c.490G>A (NM_017929.5); c.490G>A, p.Val164Met (NM_001199319.2, NM_017929.6); short protein forms V164M.
Identifiers: ClinVar variation 1039903 (VCV001039903.6), dbSNP rs1161672696, ClinGen allele CA410267662.
Genomic context (GRCh38, chr22:18,083,555, plus strand): 5'-TGGCTCCAAGACCCAGCCAATCAAAACCTTCCAGAATATGGAGCCTTGGCAGAATTTCAC[G>A]TGCAGCGGGTGCTGCTGCCTCTGGGCTGCTTATCGGAGGCTGAGGAGCTAGTGGTGGGCT-3'
Protein context (NP_001121121.1, residues 154-174): PEYGALAEFH[Val164Met]QRVLLPLGCL

ClinVar aggregate classification (germline): Uncertain significance. Review status: criteria provided, multiple submitters, no conflicts (2 of 4 stars). 2 submissions from 2 submitters: Uncertain significance (2). Last evaluated 2026-01-04.

Conditions:
Inborn genetic diseases. Identifiers: MedGen C0950123, MeSH D030342.
Peroxisome biogenesis disorder 7A (Zellweger). Also called: Peroxisome biogenesis disorder 7A. Identifiers: Orphanet 912, MedGen C3888385, MONDO:0013938, OMIM 614872.
Peroxisome biogenesis disorder 7B (PBD7B). Identifiers: Orphanet 44, MedGen C3553951, MONDO:0013939, OMIM 614873.

Allele frequency attached by ClinVar (database versions not stated): TOPMed 0.00005; gnomAD 0.00001; gnomAD exomes 0.00001.
gnomAD v4.1: 13 of 1,613,932 alleles (0.00081%); highest among the groups gnomAD compares: East Asian, 0.0022%; no homozygotes.

Submissions (2):

Labcorp Genetics (formerly Invitae), Labcorp
Classification: Uncertain significance for Peroxisome biogenesis disorder 7A (Zellweger); Peroxisome biogenesis disorder 7B. Last evaluated: 2026-01-04. Review status: criteria provided, single submitter. Criteria: Invitae Variant Classification Sherloc (09022015). Collection method: clinical testing. Allele origin: germline.
Comment: This sequence change replaces valine, which is neutral and non-polar, with methionine, which is neutral and non-polar, at codon 164 of the PEX26 protein (p.Val164Met). This variant is present in population databases (no rsID available, gnomAD 0.006%). This variant has not been reported in the literature in individuals affected with PEX26-related conditions. ClinVar contains an entry for this variant (Variation ID: 1039903). Invitae Evidence Modeling of protein sequence and biophysical properties (such as structural, functional, and spatial information, amino acid conservation, physicochemical variation, residue mobility, and thermodynamic stability) indicates that this missense variant is not expected to disrupt PEX26 protein function with a negative predictive value of 95%. In summary, the available evidence is currently insufficient to determine the role of this variant in disease. Therefore, it has been classified as a Variant of Uncertain Significance.

Ambry Genetics
Classification: Uncertain significance for Inborn genetic diseases. Last evaluated: 2024-09-04. Review status: criteria provided, single submitter. Criteria: Ambry Variant Classification Scheme 2023. Collection method: clinical testing. Allele origin: germline.